The following is an entry in ClinVar:

ClinVar aggregate classification (germline): Uncertain significance. Review status: criteria provided, multiple submitters, no conflicts (2 of 4 stars). 2 submissions from 2 submitters: Uncertain significance (2). Last evaluated 2024-09-21.

Conditions:
Hereditary cancer-predisposing syndrome. Also called: Hereditary neoplastic syndrome; Hereditary Cancer Syndrome; Neoplastic Syndromes, Hereditary; Tumor predisposition. Identifiers: Orphanet 140162, MedGen C0027672, MeSH D009386, MONDO:0015356.
Familial cancer of breast. Also called: hereditary breast carcinoma; Hereditary breast cancer; BREAST CANCER, FAMILIAL. Identifiers: Orphanet 227535, MedGen C0346153, MONDO:0016419, OMIM 114480. Disease mechanism: loss of function.

Submissions (2):

Labcorp Genetics (formerly Invitae), Labcorp
Classification: Uncertain significance for Familial cancer of breast. Last evaluated: 2024-09-21. Review status: criteria provided, single submitter. Criteria: Invitae Variant Classification Sherloc (09022015). Collection method: clinical testing. Allele origin: germline.
Comment: This sequence change replaces cysteine, which is neutral and slightly polar, with tyrosine, which is neutral and polar, at codon 724 of the PALB2 protein (p.Cys724Tyr). This variant is not present in population databases (gnomAD no frequency). This variant has not been reported in the literature in individuals affected with PALB2-related conditions. ClinVar contains an entry for this variant (Variation ID: 2567569). Invitae Evidence Modeling of protein sequence and biophysical properties (such as structural, functional, and spatial information, amino acid conservation, physicochemical variation, residue mobility, and thermodynamic stability) indicates that this missense variant is expected to disrupt PALB2 protein function with a positive predictive value of 80%. In summary, the available evidence is currently insufficient to determine the role of this variant in disease. Therefore, it has been classified as a Variant of Uncertain Significance.

Ambry Genetics
Classification: Uncertain significance for Hereditary cancer-predisposing syndrome. Last evaluated: 2023-04-09. Review status: criteria provided, single submitter. Criteria: Ambry Variant Classification Scheme 2023. Collection method: clinical testing. Allele origin: germline.
Comment: The p.C724Y variant (also known as c.2171G>A), located in coding exon 5 of the PALB2 gene, results from a G to A substitution at nucleotide position 2171. The cysteine at codon 724 is replaced by tyrosine, an amino acid with highly dissimilar properties. This amino acid position is conserved. In addition, this alteration is predicted to be tolerated by in silico analysis. Since supporting evidence is limited at this time, the clinical significance of this alteration remains unclear.

NM_024675.4(PALB2):c.2171G>A (p.Cys724Tyr)

Gene: PALB2 (partner and localizer of BRCA2; minus strand). Cytogenetic location: 16p12.2.
Variant type: single nucleotide variant.
Coding change: c.2171G>A on transcript NM_024675.4 (MANE Select); coding-DNA position 2171, G replaced by A.
Protein change: p.Cys724Tyr; replaces cysteine 724 with tyrosine.
Molecular consequence: missense variant. On other transcripts: intron variant (1).
Genome position (GRCh38, 1-based): chr16:23,629,983, C>T on the plus strand (G>A on the coding strand, the complement: PALB2 is on the minus strand). VCF-style: chr16-23629983-C-T. GRCh37 (hg19) VCF-style: chr16-23641304-C-T.
Other names: c.2111G>A, p.Cys704Tyr (NM_001407296.1); c.2171G>A, p.Cys724Tyr (NM_001407297.1, NM_001407298.1, NM_001407299.1 and 3 more transcripts); c.1286G>A, p.Cys429Tyr (NM_001407304.1, NM_001407305.1, NM_001407306.1 and 5 more transcripts); c.383G>A, p.Cys128Tyr (NM_001407312.1, NM_001407313.1); c.49-708G>A (NM_001407314.1); short protein forms C429Y, C704Y, C128Y, C724Y.
Identifiers: ClinVar variation 2567569 (VCV002567569.4), dbSNP rs2142379180, ClinGen allele CA395125650.